The following is an entry in ClinVar:

NM_001918.5(DBT):c.311A>G (p.Asp104Gly)

Gene: DBT (dihydrolipoamide branched chain transacylase E2; minus strand). Cytogenetic location: 1p21.2.
Variant type: single nucleotide variant.
Coding change: c.311A>G on transcript NM_001918.5 (MANE Select); coding-DNA position 311, A replaced by G.
Protein change: p.Asp104Gly; replaces aspartic acid 104 with glycine.
Molecular consequence: missense variant.
Genome position (GRCh38, 1-based): chr1:100,230,855, T>C on the plus strand (A>G on the coding strand, the complement: DBT is on the minus strand). VCF-style: chr1-100230855-T-C. GRCh37 (hg19) VCF-style: chr1-100696411-T-C.
Other names: short protein forms D104G.
Identifiers: ClinVar variation 527132 (VCV000527132.10), dbSNP rs1553232188, ClinGen allele CA341344325.

ClinVar aggregate classification (germline): Pathogenic (1 of 4 stars; one submission).

Conditions:
Maple syrup urine disease (MSUD). Identifiers: Orphanet 511, MedGen C0024776, MeSH D008375, MONDO:0009563. Disease mechanism: loss of function.

Submission:

Labcorp Genetics (formerly Invitae), Labcorp
Classification: Pathogenic for Maple syrup urine disease. Last evaluated: 2022-07-19. Review status: criteria provided, single submitter. Criteria: Invitae Variant Classification Sherloc (09022015). Collection method: clinical testing. Allele origin: germline.
Comment: For these reasons, this variant has been classified as Pathogenic. Algorithms developed to predict the effect of sequence changes on RNA splicing suggest that this variant may create or strengthen a splice site. Advanced modeling of protein sequence and biophysical properties (such as structural, functional, and spatial information, amino acid conservation, physicochemical variation, residue mobility, and thermodynamic stability) performed at Invitae indicates that this missense variant is expected to disrupt DBT protein function. ClinVar contains an entry for this variant (Variation ID: 527132). This missense change has been observed in individual(s) with maple syrup urine disease (MSUD) (Invitae). In at least one individual the data is consistent with being in trans (on the opposite chromosome) from a pathogenic variant. This variant is not present in population databases (gnomAD no frequency). This sequence change replaces aspartic acid, which is acidic and polar, with glycine, which is neutral and non-polar, at codon 104 of the DBT protein (p.Asp104Gly).